The following is an entry in ClinVar:

ClinVar aggregate classification (germline): Uncertain significance (1 of 4 stars; one submission).

Submission:

Labcorp Genetics (formerly Invitae), Labcorp
Classification: Uncertain significance. Last evaluated: 2023-12-14. Review status: criteria provided, single submitter. Criteria: Invitae Variant Classification Sherloc (09022015). Collection method: clinical testing. Allele origin: unknown.
Comment: A copy number gain of the genomic region encompassing the full coding sequence of the KIF20A gene has been identified. The boundaries of this event are unknown as they extend beyond the assayed region for this gene and therefore may encompass additional genes. As the precise location of this event is unknown, it may be in tandem or it may be located elsewhere in the genome. This variant has not been reported in the literature in individuals affected with KIF20A-related conditions. In summary, the available evidence is currently insufficient to determine the role of this variant in disease. Therefore, it has been classified as a Variant of Uncertain Significance.

NC_000005.9:g.(?_137206341)_(137523102_?)dup

Genes: WNT8A (Wnt family member 8A; plus strand), NME5 (NME/NM23 family member 5; minus strand), PKD2L2 (polycystin 2 like 2, transient receptor potential cation channel; plus strand), KIF20A (kinesin family member 20A; plus strand), MYOT (myotilin; plus strand) and 2 more. Cytogenetic location: 5q31.2.
Variant type: Duplication.
Identifiers: ClinVar variation 3246511 (VCV003246511.1).